The following is an entry in ClinVar:

ClinVar aggregate classification (germline): Uncertain significance. Review status: criteria provided, multiple submitters, no conflicts (2 of 4 stars). 5 submissions from 5 submitters: Uncertain significance (5). Last evaluated 2025-10-13.

Conditions:
Hereditary cancer-predisposing syndrome. Also called: Hereditary neoplastic syndrome; Tumor predisposition; Hereditary Cancer Syndrome; Neoplastic Syndromes, Hereditary. Identifiers: Orphanet 140162, MedGen C0027672, MeSH D009386, MONDO:0015356.
Familial adenomatous polyposis 1 (FAP1). Also called: FAMILIAL ADENOMATOUS POLYPOSIS 1, ATTENUATED; POLYPOSIS, ADENOMATOUS INTESTINAL. Identifiers: MedGen C2713442, MONDO:0021056, OMIM 175100. Disease mechanism: loss of function.

Allele frequency attached by ClinVar (database versions not stated): gnomAD 0.00001.
gnomAD v4.1: 1 of 1,614,082 alleles (0.000062%); highest among the groups gnomAD compares: African/African-American, 0.0013%; no homozygotes.

Submissions (5):

Ambry Genetics
Classification: Uncertain significance for Hereditary cancer-predisposing syndrome. Last evaluated: 2025-10-13. Review status: criteria provided, single submitter. Criteria: Ambry Variant Classification Scheme 2023. Collection method: clinical testing. Allele origin: germline.
Comment: The p.S968N variant (also known as c.2903G>A), located in coding exon 15 of the APC gene, results from a G to A substitution at nucleotide position 2903. The serine at codon 968 is replaced by asparagine, an amino acid with highly similar properties. This amino acid position is not well conserved in available vertebrate species. In addition, in silico predictors for this gene do not accurately predict pathogenicity. Since supporting evidence is limited at this time, the clinical significance of this alteration remains unclear.

Labcorp Genetics (formerly Invitae), Labcorp
Classification: Uncertain significance for Familial adenomatous polyposis 1. Last evaluated: 2024-09-05. Review status: criteria provided, single submitter. Criteria: Invitae Variant Classification Sherloc (09022015). Collection method: clinical testing. Allele origin: germline.
Comment: This sequence change replaces serine, which is neutral and polar, with asparagine, which is neutral and polar, at codon 968 of the APC protein (p.Ser968Asn). This variant is not present in population databases (gnomAD no frequency). This variant has not been reported in the literature in individuals affected with APC-related conditions. ClinVar contains an entry for this variant (Variation ID: 495357). Invitae Evidence Modeling of protein sequence and biophysical properties (such as structural, functional, and spatial information, amino acid conservation, physicochemical variation, residue mobility, and thermodynamic stability) indicates that this missense variant is not expected to disrupt APC protein function with a negative predictive value of 95%. In summary, the available evidence is currently insufficient to determine the role of this variant in disease. Therefore, it has been classified as a Variant of Uncertain Significance.

Baylor Genetics
Classification: Uncertain significance for Familial adenomatous polyposis 1. Last evaluated: 2023-08-22. Review status: criteria provided, single submitter. Criteria: ACMG Guidelines, 2015. Collection method: clinical testing. Allele origin: unknown.

GeneDx
Classification: Uncertain significance. Last evaluated: 2022-05-11. Review status: criteria provided, single submitter. Criteria: GeneDx Variant Classification Process June 2021. Collection method: clinical testing. Allele origin: germline. Affected: yes.
Comment: Not observed at significant frequency in large population cohorts (gnomAD); In silico analysis supports that this missense variant does not alter protein structure/function; Has not been previously published as pathogenic or benign to our knowledge

Women's Health and Genetics/Laboratory Corporation of America, LabCorp
Classification: Uncertain significance. Last evaluated: 2016-09-01. Review status: criteria provided, single submitter. Criteria: LabCorp Variant Classification Summary - May 2015. Collection method: clinical testing. Allele origin: germline.
Comment: Variant summary: The APC c.2903G>A (p.Ser968Asn) variant involves the alteration of a conserved nucleotide. 3/4 in silico tools predict a benign outcome for this variant (SNPs&GO not captured due to low reliability index). This variant is absent in 121224 control chromosomes. The variant of interest has not, to our knowledge, been reported in affected individuals via publications and/or reputable databases/clinical diagnostic laboratories; nor evaluated for functional impact by in vivo/vitro studies. Because of the absence of clinical information and the lack of functional studies, the variant is classified as a variant of uncertain significance (VUS) until additional information becomes available.

NM_000038.6(APC):c.2903G>A (p.Ser968Asn)

Gene: APC (APC regulator of Wnt signaling pathway; plus strand). Cytogenetic location: 5q22.2.
Variant type: single nucleotide variant.
Coding change: c.2903G>A on transcript NM_000038.6 (MANE Select); coding-DNA position 2903, G replaced by A.
Protein change: p.Ser968Asn; replaces serine 968 with asparagine.
Molecular consequence: missense variant.
Genome position (GRCh38, 1-based): chr5:112,838,497, G>A. VCF-style: chr5-112838497-G-A. GRCh37 (hg19) VCF-style: chr5-112174194-G-A.
Other names: c.2903G>A, p.Ser968Asn (NM_001127510.3, NM_001354895.2); c.2849G>A, p.Ser950Asn (NM_001127511.3); c.2957G>A, p.Ser986Asn (NM_001354896.2); c.2933G>A, p.Ser978Asn (NM_001354897.2); c.2828G>A, p.Ser943Asn (NM_001354898.2); c.2819G>A, p.Ser940Asn (NM_001354899.2); c.2780G>A, p.Ser927Asn (NM_001354900.2); c.2726G>A, p.Ser909Asn (NM_001354901.2); and 5 more; short protein forms S950N, S968N, S909N, S978N, S986N, S867N, S685N, S842N.
Identifiers: ClinVar variation 495357 (VCV000495357.18), dbSNP rs1554084581, ClinGen allele CA16027670.